The following is an entry in ClinVar:

NM_004132.5(HABP2):c.1094+9C>A

Gene: HABP2 (hyaluronan binding protein 2; plus strand). Cytogenetic location: 10q25.3.
Variant type: single nucleotide variant.
Coding change: c.1094+9C>A on transcript NM_004132.5 (MANE Select); 9 bases into the intron after coding-DNA position 1094, C replaced by A.
Molecular consequence: intron variant.
Genome position (GRCh38, 1-based): chr10:113,582,140, C>A. VCF-style: chr10-113582140-C-A. GRCh37 (hg19) VCF-style: chr10-115341899-C-A.
Other names: c.1016+9C>A (NM_001177660.3).
Identifiers: ClinVar variation 3052769 (VCV003052769.2), dbSNP rs770805362, ClinGen allele CA596112835.
Genomic context (GRCh38, chr10:113,582,140, plus strand): 5'-GTGGGGCGCTGATCCACCCCTGCTGGGTGCTCACTGCTGCCCACTGCACCGAGTAGGTGC[C>A]GCTGGGAGCAGGGACCAGGGTGGCTTGAGTGGCTGGGGGTGCTCTCCCCTTCCCCTCTGA-3'

ClinVar aggregate classification (germline): Likely benign (0 of 4 stars; one submission).

Conditions:
HABP2-related disorder. Also called: HABP2-related condition.

gnomAD v4.1: 1 of 1,596,116 alleles (0.000063%); highest among the groups gnomAD compares: Non-Finnish European, 0.000085%; no homozygotes.

Submission:

PreventionGenetics, part of Exact Sciences
Classification: Likely benign for HABP2-related condition. Last evaluated: 2019-11-16. Review status: no assertion criteria provided. Collection method: clinical testing. Allele origin: germline.
Comment: This variant is classified as likely benign based on ACMG/AMP sequence variant interpretation guidelines (Richards et al. 2015 PMID: 25741868, with internal and published modifications).